The following is an entry in ClinVar:

NC_012920.1(MT-CO2):m.7724A>T

Gene: MT-CO2 (mitochondrially encoded cytochrome c oxidase II; plus strand).
Variant type: single nucleotide variant.
Genome position: chrM-7724-A-T.
Identifiers: ClinVar variation 692767 (VCV000692767.3), dbSNP rs1553139599, ClinGen allele CA414793459.

ClinVar aggregate classification (germline): Uncertain significance. Review status: reviewed by expert panel (3 of 4 stars). 3 submissions from 3 submitters: Uncertain significance (1). 2 of the submissions do not count toward it. Last evaluated 2023-07-24.

Conditions:
Leigh syndrome (NULS). Also called: Leigh's syndrome; Leigh Disease; Subacute necrotizing encephalopathy; Necrotizing encephalopathy infantile subacute of Leigh; LEIGH SYNDROME, NUCLEAR; Leigh's necrotizing encephalopathy. Identifiers: Orphanet 506, MedGen C2931891, MONDO:0009723, OMIM 256000.
Mitochondrial disease. Also called: Mitochondrial disorder; Mitochondrial disorders. Identifiers: Orphanet 68380, MedGen C0751651, MeSH D028361, MONDO:0044970.

Submissions (3):

ClinGen Mitochondrial Disease Nuclear and Mitochondrial  Variant Curation Expert Panel, ClinGen
Classification: Uncertain significance for Mitochondrial disease. Last evaluated: 2023-07-24. Review status: reviewed by expert panel. Criteria: McCormick et al. (Hum Mutat. 2020). Collection method: curation. Allele origin: germline. Inheritance: Mitochondrial inheritance.
Comment: The m.7724A>T variant in MT-CO2 was reviewed by the Mitochondrial Disease Nuclear and Mitochondrial Variant Curation Expert Panel on July 24, 2023. There are no individuals or families with this variant reported in the medical literature to our knowledge. There are several occurrences in population databases. This variant is present in 0.031% of individuals in GenBank MITOMAP sequences, in 0.039% of individuals in gnomAD v3.1.2 (homoplasmic in all individuals), and in 0.088% of individuals in the Helix dataset (homoplasmic in all individuals). The computational predictor APOGEE gives a consensus rating of neutral with a score of 0.3 (Min=0, Max=1), which predicts no damaging effect on gene function (BP4). There are no cybrid, single fiber, or other studies reported for this variant. In summary, this variant meets criteria to be classified as uncertain significance for primary mitochondrial disease inherited in a mitochondrial manner. This classification was approved by the NICHD/NINDS U24 ClinGen Mitochondrial Disease Variant Curation Expert Panel on July 24, 2023. Mitochondrial DNA-specific ACMG/AMP criteria applied (PMID: 32906214): BP4.

Wong Mito Lab, Molecular and Human Genetics, Baylor College of Medicine
Classification: Benign for Leigh syndrome. Last evaluated: 2019-10-17. Review status: criteria provided, single submitter. Criteria: Modified ACMG Guidelines (Unpublished). Collection method: clinical testing. Allele origin: germline. Not counted in ClinVar's aggregate classification.
Comment: The NC_012920.1:m.7724A>T (YP_003024029.1:p.Thr47Ser) variant in MTCO2 gene is interpretated to be a Benign variant based on the modified ACMG guidelines (unpublished). This variant meets the following evidence codes: BS1, BS2, BP4

Athena Diagnostics
Classification: Uncertain significance. Last evaluated: 2018-12-10. Review status: criteria provided, single submitter. Criteria: Athena Diagnostics Criteria. Collection method: clinical testing. Allele origin: germline. Not counted in ClinVar's aggregate classification.